The following is an entry in ClinVar:

NM_023036.6(DNAI2):c.946A>G (p.Asn316Asp)

Gene: DNAI2 (dynein axonemal intermediate chain 2; plus strand). Cytogenetic location: 17q25.1.
Variant type: single nucleotide variant.
Coding change: c.946A>G on transcript NM_023036.6 (MANE Select); coding-DNA position 946, A replaced by G.
Protein change: p.Asn316Asp; replaces asparagine 316 with aspartic acid.
Molecular consequence: missense variant. On other transcripts: non-coding transcript variant (1).
Genome position (GRCh38, 1-based): chr17:74,301,127, A>G. VCF-style: chr17-74301127-A-G. GRCh37 (hg19) VCF-style: chr17-72297266-A-G.
Other names: c.946A>G, p.Asn316Asp (NM_001172810.3, NM_001353167.2); short protein forms N316D.
Identifiers: ClinVar variation 4629422 (VCV004629422.2).
Genomic context (GRCh38, chr17:74,301,127, plus strand): 5'-AAGATGAGCGAGCCCACTGAAGTTGTGATCTTGGACATCACCAAGAAGGAACAGTTGGAA[A>G]ATGCCTTGGGGGCCATCTCCCTGGAGTTCGAATCTACTTTGGTGAGTGTCCCTTGCTGTC-3'
Protein context (NP_075462.3, residues 306-326): LDITKKEQLE[Asn316Asp]ALGAISLEFE

ClinVar aggregate classification (germline): Uncertain significance (1 of 4 stars; one submission).

Conditions:
Primary ciliary dyskinesia. Also called: Ciliary dyskinesia. Identifiers: Orphanet 244, MedGen C0008780, MONDO:0016575, HP:0012265.

gnomAD v4.1: 77 of 1,613,912 alleles (0.0048%); highest among the groups gnomAD compares: Non-Finnish European, 0.0065%; no homozygotes.

Submission:

Ambry Genetics
Classification: Uncertain significance for Primary ciliary dyskinesia. Last evaluated: 2026-06-21. Review status: criteria provided, single submitter. Criteria: Ambry Variant Classification Scheme 2023. Collection method: clinical testing. Allele origin: germline.
Comment: The p.N316D variant (also known as c.946A>G), located in coding exon 7 of the DNAI2 gene, results from an A to G substitution at nucleotide position 946. The asparagine at codon 316 is replaced by aspartic acid, an amino acid with highly similar properties. This amino acid position is conserved. In addition, this alteration is predicted to be tolerated by in silico analysis. Based on the available evidence, the clinical significance of this variant remains unclear.